The following is an entry in ClinVar:

ClinVar aggregate classification (germline): Uncertain significance (1 of 4 stars; one submission).

gnomAD v4.1: 4 of 1,613,374 alleles (0.00025%); highest among the groups gnomAD compares: Non-Finnish European, 0.00034%; no homozygotes.

Submission:

Ambry Genetics
Classification: Uncertain significance. Last evaluated: 2023-01-12. Review status: criteria provided, single submitter. Criteria: Ambry Variant Classification Scheme 2023. Collection method: clinical testing. Allele origin: germline.
Comment: The p.R165W variant (also known as c.493C>T), located in coding exon 4 of the BUB3 gene, results from a C to T substitution at nucleotide position 493. The arginine at codon 165 is replaced by tryptophan, an amino acid with dissimilar properties. This amino acid position is conserved. In addition, this alteration is predicted to be deleterious by in silico analysis. Since supporting evidence is limited at this time, the clinical significance of this alteration remains unclear.

NM_004725.4(BUB3):c.493C>T (p.Arg165Trp)

Gene: BUB3 (BUB3 mitotic checkpoint protein; plus strand). Cytogenetic location: 10q26.13.
Variant type: single nucleotide variant.
Coding change: c.493C>T on transcript NM_004725.4 (MANE Select); coding-DNA position 493, C replaced by T.
Protein change: p.Arg165Trp; replaces arginine 165 with tryptophan.
Molecular consequence: missense variant.
Genome position (GRCh38, 1-based): chr10:123,160,482, C>T. VCF-style: chr10-123160482-C-T. GRCh37 (hg19) VCF-style: chr10-124919998-C-T.
Other names: c.493C>T, p.Arg165Trp (NM_001007793.3); short protein forms R165W.
Identifiers: ClinVar variation 2448140 (VCV002448140.2), dbSNP rs1156977641, ClinGen allele CA378626214.
Genomic context (GRCh38, chr10:123,160,482, plus strand): 5'-GTGTCTGGAGACCGGCTGATTGTGGGAACAGCAGGCCGCAGAGTGTTGGTGTGGGACTTA[C>T]GGAACATGGGTTACGTGCAGCAGCGCAGGGAGTCCAGCCTGAAATACCAGACTCGCTGCA-3'
Protein context (NP_004716.1, residues 155-175): AGRRVLVWDL[Arg165Trp]NMGYVQQRRE